The following is an entry in ClinVar:

ClinVar aggregate classification (germline): Likely pathogenic (1 of 4 stars; one submission).

Conditions:
Hereditary spastic paraplegia 48. Also called: Spastic paraplegia 48; SPASTIC PARAPLEGIA 48, AUTOSOMAL RECESSIVE. Identifiers: Orphanet 306511, MedGen C3150901, MONDO:0013342, OMIM 613647.

Allele frequency attached by ClinVar (database versions not stated): gnomAD exomes below 0.00001.
gnomAD v4.1: 3 of 1,613,334 alleles (0.00019%); highest among the groups gnomAD compares: Admixed American, 0.0017%; no homozygotes.

Submission:

Labcorp Genetics (formerly Invitae), Labcorp
Classification: Likely pathogenic for Hereditary spastic paraplegia 48. Last evaluated: 2023-09-27. Review status: criteria provided, single submitter. Criteria: Invitae Variant Classification Sherloc (09022015). Collection method: clinical testing. Allele origin: germline.
Comment: This sequence change affects an acceptor splice site in intron 8 of the AP5Z1 gene. It is expected to disrupt RNA splicing. Variants that disrupt the donor or acceptor splice site typically lead to a loss of protein function (PMID: 16199547), and loss-of-function variants in AP5Z1 are known to be pathogenic (PMID: 20613862, 27606357). This variant is not present in population databases (gnomAD no frequency). This variant has not been reported in the literature in individuals affected with AP5Z1-related conditions. Algorithms developed to predict the effect of sequence changes on RNA splicing suggest that this variant may disrupt the consensus splice site. In summary, the currently available evidence indicates that the variant is pathogenic, but additional data are needed to prove that conclusively. Therefore, this variant has been classified as Likely Pathogenic.

Literature cited by the submitters: PubMed 16199547; PubMed 20613862; PubMed 27606357.

NM_014855.3(AP5Z1):c.970-2A>G

Gene: AP5Z1 (adaptor related protein complex 5 subunit zeta 1; plus strand). Cytogenetic location: 7p22.1.
Variant type: single nucleotide variant.
Coding change: c.970-2A>G on transcript NM_014855.3 (MANE Select); the canonical splice acceptor site of the intron before coding-DNA position 970, A replaced by G.
Molecular consequence: splice acceptor variant.
Genome position (GRCh38, 1-based): chr7:4,785,520, A>G. VCF-style: chr7-4785520-A-G. GRCh37 (hg19) VCF-style: chr7-4825151-A-G.
Other names: c.502-2A>G (NM_001364858.1).
Identifiers: ClinVar variation 2974856 (VCV002974856.3), dbSNP rs2534050728, ClinGen allele CA366661178.